The following is an entry in ClinVar:

ClinVar aggregate classification (germline): Uncertain significance (1 of 4 stars; one submission).

Conditions:
Gorlin syndrome. Also called: Nevoid Basal Cell Carcinoma Syndrome; Basal cell nevus syndrome. Identifiers: Orphanet 377, MedGen C0004779, MONDO:0007187.

Allele frequency attached by ClinVar (database versions not stated): gnomAD exomes below 0.00001; ExAC 0.00001.
gnomAD v4.1: 1 of 1,614,228 alleles (0.000062%); highest among the groups gnomAD compares: Non-Finnish European, 0.000085%; no homozygotes.

Submission:

Labcorp Genetics (formerly Invitae), Labcorp
Classification: Uncertain significance for Gorlin syndrome. Last evaluated: 2019-10-25. Review status: criteria provided, single submitter. Criteria: Invitae Variant Classification Sherloc (09022015). Collection method: clinical testing. Allele origin: germline.
Comment: This sequence change replaces histidine with arginine at codon 1026 of the PTCH1 protein (p.His1026Arg). The histidine residue is moderately conserved and there is a small physicochemical difference between histidine and arginine. This variant is present in population databases (rs763031827, ExAC 0.002%). This variant has not been reported in the literature in individuals with PTCH1-related conditions. Algorithms developed to predict the effect of missense changes on protein structure and function (SIFT, PolyPhen-2, Align-GVGD) all suggest that this variant is likely to be tolerated, but these predictions have not been confirmed by published functional studies and their clinical significance is uncertain. In summary, the available evidence is currently insufficient to determine the role of this variant in disease. Therefore, it has been classified as a Variant of Uncertain Significance.

NM_000264.5(PTCH1):c.3077A>G (p.His1026Arg)

Gene: PTCH1 (patched 1; minus strand). Cytogenetic location: 9q22.32.
Variant type: single nucleotide variant.
Coding change: c.3077A>G on transcript NM_000264.5 (MANE Select); coding-DNA position 3077, A replaced by G.
Protein change: p.His1026Arg; replaces histidine 1026 with arginine.
Molecular consequence: missense variant. On other transcripts: non-coding transcript variant (1).
Genome position (GRCh38, 1-based): chr9:95,458,104, T>C on the plus strand (A>G on the coding strand, the complement: PTCH1 is on the minus strand). VCF-style: chr9-95458104-T-C. GRCh37 (hg19) VCF-style: chr9-98220386-T-C.
Other names: c.2879A>G, p.His960Arg (NM_001083602.3); c.3074A>G, p.His1025Arg (NM_001083603.3); c.2624A>G, p.His875Arg (NM_001083604.3, NM_001083605.3, NM_001083606.3 and 1 more transcripts); c.2921A>G, p.His974Arg (NM_001354918.2); short protein forms H875R, H974R, H960R, H1025R, H1026R.
Identifiers: ClinVar variation 970106 (VCV000970106.10), dbSNP rs763031827, ClinGen allele CA5138255.
Genomic context (GRCh38, chr9:95,458,104, plus strand): 5'-AAGACAGCGCACACGAGGAATGTGCAGGCCAACACCACGCTGATGAACAGCAGCAGCCAG[T>C]GGCGGAGGCCGATGTACTGCTCCCAGAAGAGGAAGGGGTAGCCGTTGGGGTAACTGGACA-3'
Protein context (NP_000255.2, residues 1016-1036): LFWEQYIGLR[His1026Arg]WLLLFISVVL